The following is an entry in ClinVar:

ClinVar aggregate classification (germline): Uncertain significance. Review status: criteria provided, multiple submitters, no conflicts (2 of 4 stars). 2 submissions from 2 submitters: Uncertain significance (2). Last evaluated 2020-05-13.

Submissions (2):

GeneDx
Classification: Uncertain significance. Last evaluated: 2020-05-13. Review status: criteria provided, single submitter. Criteria: GeneDx Variant Classification Process June 2021. Collection method: clinical testing. Allele origin: germline. Affected: yes.
Comment: Has not been previously published as pathogenic or benign to our knowledge; Occurs at the 3' terminal nucleotide of exon 1, and in silico splice prediction algorithms predict that this substitution destroys or weakens the canonical splice donor site in intron 1, although in the absence of functional evidence the actual effect of this sequence change is unknown; Not observed in large population cohorts (Lek et al., 2016)

Blueprint Genetics
Classification: Uncertain significance. Last evaluated: 2019-08-02. Review status: criteria provided, single submitter. Criteria: ACMG Guidelines, 2015. Collection method: clinical testing. Allele origin: germline.

NM_000256.3(MYBPC3):c.25G>C (p.Val9Leu)

Gene: MYBPC3 (myosin binding protein C3; minus strand). Cytogenetic location: 11p11.2.
Variant type: single nucleotide variant.
Coding change: c.25G>C on transcript NM_000256.3 (MANE Select); coding-DNA position 25, G replaced by C.
Protein change: p.Val9Leu; replaces valine 9 with leucine.
Molecular consequence: missense variant.
Genome position (GRCh38, 1-based): chr11:47,352,623, C>G on the plus strand (G>C on the coding strand, the complement: MYBPC3 is on the minus strand). VCF-style: chr11-47352623-C-G. GRCh37 (hg19) VCF-style: chr11-47374174-C-G.
Other names: c.25G>C, p.Val9Leu (LRG_386t1); short protein forms V9L.
Identifiers: ClinVar variation 418347 (VCV000418347.5), dbSNP rs1064793201, ClinGen allele CA16619345.
Genomic context (GRCh38, chr11:47,352,623, plus strand): 5'-CCCCAATTGTAGACACCCCCCTGCTCCCACACTTAGACCCAACCCCAGTCCTAAAGCTAC[C>G]TGGCTTCTTCCCCGGCTCAGGCATCCTGAGAGACGTCACACCAGGCACGAAGCAGGCACA-3'
Protein context (NP_000247.2, residues 1-19): MPEPGKKP[Val9Leu]SAFSKKPRSV